The following is an entry in ClinVar:

NM_001365951.3(KIF1B):c.5402C>T (p.Thr1801Ile)

Gene: KIF1B (kinesin family member 1B; plus strand). Cytogenetic location: 1p36.22.
Variant type: single nucleotide variant.
Coding change: c.5402C>T on transcript NM_001365951.3 (MANE Select); coding-DNA position 5402, C replaced by T.
Protein change: p.Thr1801Ile; replaces threonine 1801 with isoleucine.
Molecular consequence: missense variant.
Genome position (GRCh38, 1-based): chr1:10,375,367, C>T. VCF-style: chr1-10375367-C-T. GRCh37 (hg19) VCF-style: chr1-10435425-C-T.
Other names: c.5402C>T, p.Thr1801Ile (NM_001365952.1); c.5264C>T, p.Thr1755Ile (NM_015074.3); short protein forms T1801I, T1755I.
Identifiers: ClinVar variation 4092395 (VCV004092395.1).

ClinVar aggregate classification (germline): Uncertain significance (1 of 4 stars; one submission).

Submission:

Ambry Genetics
Classification: Uncertain significance. Last evaluated: 2025-09-01. Review status: criteria provided, single submitter. Criteria: Ambry Variant Classification Scheme 2023. Collection method: clinical testing. Allele origin: germline.
Comment: The p.T1755I variant (also known as c.5264C>T), located in coding exon 45 of the KIF1B gene, results from a C to T substitution at nucleotide position 5264. The threonine at codon 1755 is replaced by isoleucine, an amino acid with similar properties. This amino acid position is conserved. In addition, this alteration is predicted to be deleterious by in silico analysis. Based on the available evidence, the clinical significance of this variant remains unclear.